The following is an entry in ClinVar:

ClinVar aggregate classification (germline): Uncertain significance (1 of 4 stars; one submission).

Allele frequency attached by ClinVar (database versions not stated): gnomAD exomes below 0.00001.

Submission:

Labcorp Genetics (formerly Invitae), Labcorp
Classification: Uncertain significance. Last evaluated: 2024-03-04. Review status: criteria provided, single submitter. Criteria: Invitae Variant Classification Sherloc (09022015). Collection method: clinical testing. Allele origin: germline.
Comment: This sequence change replaces leucine, which is neutral and non-polar, with proline, which is neutral and non-polar, at codon 70 of the ADGRV1 protein (p.Leu70Pro). The frequency data for this variant in the population databases is considered unreliable, as metrics indicate poor data quality at this position in the gnomAD database. This variant has not been reported in the literature in individuals affected with ADGRV1-related conditions. ClinVar contains an entry for this variant (Variation ID: 2041447). An algorithm developed to predict the effect of missense changes on protein structure and function (PolyPhen-2) suggests that this variant is likely to be disruptive. In summary, the available evidence is currently insufficient to determine the role of this variant in disease. Therefore, it has been classified as a Variant of Uncertain Significance.

NM_032119.4(ADGRV1):c.209T>C (p.Leu70Pro)

Gene: ADGRV1 (adhesion G protein-coupled receptor V1; plus strand). Cytogenetic location: 5q14.3.
Variant type: single nucleotide variant.
Coding change: c.209T>C on transcript NM_032119.4 (MANE Select); coding-DNA position 209, T replaced by C.
Protein change: p.Leu70Pro; replaces leucine 70 with proline.
Molecular consequence: missense variant. On other transcripts: non-coding transcript variant (1).
Genome position (GRCh38, 1-based): chr5:90,617,805, T>C. VCF-style: chr5-90617805-T-C. GRCh37 (hg19) VCF-style: chr5-89913622-T-C.
Other names: short protein forms L70P.
Identifiers: ClinVar variation 2041447 (VCV002041447.3), dbSNP rs1289037094, ClinGen allele CA360384824.